The following is an entry in ClinVar:

ClinVar aggregate classification (germline): Likely pathogenic (1 of 4 stars; one submission).

Submission:

Labcorp Genetics (formerly Invitae), Labcorp
Classification: Likely pathogenic. Last evaluated: 2023-11-18. Review status: criteria provided, single submitter. Criteria: Invitae Variant Classification Sherloc (09022015). Collection method: clinical testing. Allele origin: germline.
Comment: This sequence change replaces glycine, which is neutral and non-polar, with aspartic acid, which is acidic and polar, at codon 524 of the COL4A5 protein (p.Gly524Asp). This variant is not present in population databases (gnomAD no frequency). This missense change has been observed in individual(s) with Alport syndrome (PMID: 8940267). Advanced modeling of protein sequence and biophysical properties (such as structural, functional, and spatial information, amino acid conservation, physicochemical variation, residue mobility, and thermodynamic stability) performed at Invitae indicates that this missense variant is expected to disrupt COL4A5 protein function with a positive predictive value of 95%. This variant disrupts the triple helix domain of COL4A5. Glycine residues within the Gly-Xaa-Yaa repeats of the triple helix domain are required for the structure and stability of fibrillar collagens (PMID: 7695699, 8218237, 19344236). In COL4A5, missense variants at these glycine residues are significantly enriched in individuals with disease (PMID: 23720012, 27627812) compared to the general population (ExAC). In summary, the currently available evidence indicates that the variant is pathogenic, but additional data are needed to prove that conclusively. Therefore, this variant has been classified as Likely Pathogenic.

Literature cited by the submitters: PubMed 8940267; PubMed 7695699; PubMed 8218237; PubMed 19344236; PubMed 23720012; PubMed 27627812.

NM_033380.3(COL4A5):c.1571G>A (p.Gly524Asp)

Gene: COL4A5 (collagen type IV alpha 5 chain; plus strand). Cytogenetic location: Xq22.3.
Variant type: single nucleotide variant.
Coding change: c.1571G>A on transcript NM_033380.3 (MANE Select); coding-DNA position 1571, G replaced by A.
Protein change: p.Gly524Asp; replaces glycine 524 with aspartic acid.
Molecular consequence: missense variant.
Genome position (GRCh38, 1-based): chrX:108,597,052, G>A. VCF-style: chrX-108597052-G-A. GRCh37 (hg19) VCF-style: chrX-107840282-G-A.
Other names: c.1571G>A, p.Gly524Asp (NM_000495.5); short protein forms G524D.
Identifiers: ClinVar variation 2737334 (VCV002737334.3), dbSNP rs104886119, ClinGen allele CA258497.